The following is an entry in ClinVar:

ClinVar aggregate classification (germline): Uncertain significance (1 of 4 stars; one submission).

Submission:

Labcorp Genetics (formerly Invitae), Labcorp
Classification: Uncertain significance. Last evaluated: 2024-05-10. Review status: criteria provided, single submitter. Criteria: Invitae Variant Classification Sherloc (09022015). Collection method: clinical testing. Allele origin: germline.
Comment: This sequence change replaces proline, which is neutral and non-polar, with serine, which is neutral and polar, at codon 263 of the THBD protein (p.Pro263Ser). This variant is not present in population databases (gnomAD no frequency). This variant has not been reported in the literature in individuals affected with THBD-related conditions. Advanced modeling of protein sequence and biophysical properties (such as structural, functional, and spatial information, amino acid conservation, physicochemical variation, residue mobility, and thermodynamic stability) performed at Invitae indicates that this missense variant is not expected to disrupt THBD protein function with a negative predictive value of 80%. In summary, the available evidence is currently insufficient to determine the role of this variant in disease. Therefore, it has been classified as a Variant of Uncertain Significance.

NM_000361.3(THBD):c.787C>T (p.Pro263Ser)

Gene: THBD (thrombomodulin; minus strand). Cytogenetic location: 20p11.21.
Variant type: single nucleotide variant.
Coding change: c.787C>T on transcript NM_000361.3 (MANE Select); coding-DNA position 787, C replaced by T.
Protein change: p.Pro263Ser; replaces proline 263 with serine.
Molecular consequence: missense variant.
Genome position (GRCh38, 1-based): chr20:23,048,718, G>A on the plus strand (C>T on the coding strand, the complement: THBD is on the minus strand). VCF-style: chr20-23048718-G-A. GRCh37 (hg19) VCF-style: chr20-23029355-G-A.
Other names: short protein forms P263S.
Identifiers: ClinVar variation 3652918 (VCV003652918.2).